The following is an entry in ClinVar:

ClinVar aggregate classification (germline): Uncertain significance (1 of 4 stars; one submission).

Conditions:
Early Myoclonic Encephalopathy. Identifiers: MedGen C0270855.

Allele frequency attached by ClinVar (database versions not stated): TOPMed 0.00002; gnomAD exomes 0.00007 and 0.00001; gnomAD 0.00001 and 0.00002; ExAC 0.00001.
gnomAD v4.1: 108 of 1,614,054 alleles (0.0067%); highest among the groups gnomAD compares: Non-Finnish European, 0.0086%; no homozygotes.

Submission:

Labcorp Genetics (formerly Invitae), Labcorp
Classification: Uncertain significance for Early Myoclonic Encephalopathy. Last evaluated: 2022-03-19. Review status: criteria provided, single submitter. Criteria: Invitae Variant Classification Sherloc (09022015). Collection method: clinical testing. Allele origin: germline.
Comment: This variant is present in population databases (rs771024987, gnomAD 0.004%). This sequence change replaces isoleucine, which is neutral and non-polar, with valine, which is neutral and non-polar, at codon 512 of the JMJD1C protein (p.Ile512Val). This variant has not been reported in the literature in individuals affected with JMJD1C-related conditions. ClinVar contains an entry for this variant (Variation ID: 651499). Algorithms developed to predict the effect of missense changes on protein structure and function (SIFT, PolyPhen-2, Align-GVGD) all suggest that this variant is likely to be tolerated. In summary, the available evidence is currently insufficient to determine the role of this variant in disease. Therefore, it has been classified as a Variant of Uncertain Significance.

NM_032776.3(JMJD1C):c.1534A>G (p.Ile512Val)

Gene: JMJD1C (jumonji domain containing 1C; minus strand). Cytogenetic location: 10q21.3.
Variant type: single nucleotide variant.
Coding change: c.1534A>G on transcript NM_032776.3 (MANE Select); coding-DNA position 1534, A replaced by G.
Protein change: p.Ile512Val; replaces isoleucine 512 with valine.
Molecular consequence: missense variant. On other transcripts: non-coding transcript variant (1).
Genome position (GRCh38, 1-based): chr10:63,214,633, T>C on the plus strand (A>G on the coding strand, the complement: JMJD1C is on the minus strand). VCF-style: chr10-63214633-T-C. GRCh37 (hg19) VCF-style: chr10-64974393-T-C.
Other names: c.670A>G, p.Ile224Val (NM_001318153.2); c.988A>G, p.Ile330Val (NM_001318154.2, NM_001282948.2); c.1420A>G, p.Ile474Val (NM_001322252.2); c.877A>G, p.Ile293Val (NM_001322254.2, NM_001322258.2); short protein forms I224V, I474V, I512V, I293V, I330V.
Identifiers: ClinVar variation 651499 (VCV000651499.8), dbSNP rs771024987, ClinGen allele CA5518790.